The following is an entry in ClinVar:

NM_000535.7(PMS2):c.901A>T (p.Lys301Ter)

Gene: PMS2 (PMS1 homolog 2, mismatch repair system component; minus strand). Cytogenetic location: 7p22.1.
Variant type: single nucleotide variant.
Coding change: c.901A>T on transcript NM_000535.7 (MANE Select); coding-DNA position 901, A replaced by T.
Protein change: p.Lys301Ter; replaces lysine 301 with a stop codon.
Molecular consequence: nonsense. On other transcripts: 5 prime UTR variant (2), non-coding transcript variant (1), intron variant (4).
Genome position (GRCh38, 1-based): chr7:5,995,536, T>A on the plus strand (A>T on the coding strand, the complement: PMS2 is on the minus strand). VCF-style: chr7-5995536-T-A. GRCh37 (hg19) VCF-style: chr7-6035167-T-A.
Other names: c.496A>T, p.Lys166Ter (NM_001322003.2, NM_001322004.2, NM_001322005.2 and 19 more transcripts); c.901A>T, p.Lys301Ter (NM_001322006.2, NM_001322014.2, NM_001406870.1 and 2 more transcripts); c.583A>T, p.Lys195Ter (NM_001322007.2, NM_001322008.2, NM_001406876.1 and 4 more transcripts); c.-33A>T (NM_001322011.2, NM_001322012.2); c.328A>T, p.Lys110Ter (NM_001322013.2, NM_001406909.1); c.592A>T, p.Lys198Ter (NM_001322015.2, NM_001406875.1, NM_001406877.1 and 6 more transcripts); c.1087A>T, p.Lys363Ter (NM_001406866.1); c.925A>T, p.Lys309Ter (NM_001406868.1); and 8 more; short protein forms K130*, K189*, K309*, K110*, K166*, K245*, K265*, K301*.
Identifiers: ClinVar variation 4713780 (VCV004713780.1).

ClinVar aggregate classification (germline): Pathogenic (1 of 4 stars; one submission).

Conditions:
Hereditary nonpolyposis colorectal neoplasms. Identifiers: MedGen C0009405, MeSH D003123.

gnomAD v4.1: 1 of 1,610,194 alleles (0.000062%); highest among the groups gnomAD compares: South Asian, 0.0011%; no homozygotes.

Submission:

Labcorp Genetics (formerly Invitae), Labcorp
Classification: Pathogenic for Hereditary nonpolyposis colorectal neoplasms. Last evaluated: 2025-03-03. Review status: criteria provided, single submitter. Criteria: Invitae Variant Classification Sherloc (09022015). Collection method: clinical testing. Allele origin: germline.
Comment: This sequence change creates a premature translational stop signal (p.Lys301*) in the PMS2 gene. It is expected to result in an absent or disrupted protein product. Loss-of-function variants in PMS2 are known to be pathogenic (PMID: 21376568, 24362816). This variant is not present in population databases (gnomAD no frequency). This variant has not been reported in the literature in individuals affected with PMS2-related conditions. Algorithms developed to predict the effect of sequence changes on RNA splicing suggest that this variant may disrupt the consensus splice site. For these reasons, this variant has been classified as Pathogenic.

Literature cited by the submitters: PubMed 21376568; PubMed 24362816.